The following is an entry in ClinVar:

NM_000516.7(GNAS):c.66C>G (p.Ala22=)

Gene: GNAS (GNAS complex locus; plus strand). Cytogenetic location: 20q13.32.
Variant type: single nucleotide variant.
Coding change: c.66C>G on transcript NM_000516.7 (MANE Select); coding-DNA position 66, C replaced by G.
Protein change: p.Ala22=; no amino-acid change (alanine 22 retained).
Molecular consequence: synonymous variant. On other transcripts: intron variant (8).
Genome position (GRCh38, 1-based): chr20:58,891,792, C>G. VCF-style: chr20-58891792-C-G. GRCh37 (hg19) VCF-style: chr20-57466847-C-G.
Other names: c.66C>G, p.Ala22= (NM_001077488.5, NM_001077489.4, NM_001309842.2 and 1 more transcripts); c.*43-3820C>G (NM_016592.5); c.44-3820C>G (NM_001410912.1); c.-38-3820C>G (NM_001309861.2); c.*1-3820C>G (NM_001077490.3); c.2069-3820C>G (NM_080425.4, NM_001410913.1); c.*159-3820C>G (NM_001309883.1); c.-39+2439C>G (NM_001309840.2); and 1 more.
Identifiers: ClinVar variation 3336264 (VCV003336264.4).

ClinVar aggregate classification (germline): Likely benign. Review status: criteria provided, multiple submitters, no conflicts (2 of 4 stars). 3 submissions from 3 submitters: Likely benign (2). 1 of the submissions does not count toward it. Last evaluated 2025-09-03.

Conditions:
GNAS-related disorder. Identifiers: MedGen CN380105.

gnomAD v4.1: 2 of 1,287,622 alleles (0.00016%); highest among the groups gnomAD compares: Non-Finnish European, 0.0002%; no homozygotes.

Submissions (3):

Labcorp Genetics (formerly Invitae), Labcorp
Classification: Likely benign. Last evaluated: 2025-09-03. Review status: criteria provided, single submitter. Criteria: Invitae Variant Classification Sherloc (09022015). Collection method: clinical testing. Allele origin: germline.

Women's Health and Genetics/Laboratory Corporation of America, LabCorp
Classification: Likely benign. Last evaluated: 2024-05-01. Review status: criteria provided, single submitter. Criteria: LabCorp Variant Classification Summary - May 2015. Collection method: clinical testing. Allele origin: germline.
Comment: Variant summary: GNAS c.66C>G alters a conserved nucleotide resulting in a synonymous change. The variant allele was found at a frequency of 4.9e-06 in 205618 control chromosomes. The available data on variant occurrences in the general population are insufficient to allow any conclusion about variant significance. To our knowledge, no occurrence of c.66C>G in individuals affected with GNAS-Related Disorders and no experimental evidence demonstrating its impact on protein function have been reported. ClinVar contains an entry for this variant (Variation ID: 2984053). Based on the evidence outlined above, the variant was classified as likely benign.

PreventionGenetics, part of Exact Sciences
Classification: Likely benign for GNAS-related condition. Last evaluated: 2024-03-29. Review status: no assertion criteria provided. Collection method: clinical testing. Allele origin: germline. Not counted in ClinVar's aggregate classification.
Comment: This variant is classified as likely benign based on ACMG/AMP sequence variant interpretation guidelines (Richards et al. 2015 PMID: 25741868, with internal and published modifications).